The following is an entry in ClinVar:

NM_000057.4(BLM):c.1331G>T (p.Cys444Phe)

Gene: BLM (BLM RecQ like helicase; plus strand). Cytogenetic location: 15q26.1.
Variant type: single nucleotide variant.
Coding change: c.1331G>T on transcript NM_000057.4 (MANE Select); coding-DNA position 1331, G replaced by T.
Protein change: p.Cys444Phe; replaces cysteine 444 with phenylalanine.
Molecular consequence: missense variant.
Genome position (GRCh38, 1-based): chr15:90,760,704, G>T. VCF-style: chr15-90760704-G-T. GRCh37 (hg19) VCF-style: chr15-91303934-G-T.
Other names: c.1331G>T, p.Cys444Phe (NM_001287246.2, NM_001287247.2); c.206G>T, p.Cys69Phe (NM_001287248.2); short protein forms C444F, C69F.
Identifiers: ClinVar variation 524770 (VCV000524770.9), dbSNP rs1555419834, ClinGen allele CA393842830.

ClinVar aggregate classification (germline): Uncertain significance (1 of 4 stars; one submission).

Conditions:
Bloom syndrome (BLM). Also called: Bloom-Torre-Machacek syndrome. Identifiers: Orphanet 125, MedGen C0005859, MONDO:0008876, OMIM 210900.

gnomAD v4.1: 4 of 1,614,066 alleles (0.00025%); highest among the groups gnomAD compares: Non-Finnish European, 0.00034%; no homozygotes.

Submission:

Labcorp Genetics (formerly Invitae), Labcorp
Classification: Uncertain significance for Bloom syndrome. Last evaluated: 2020-01-09. Review status: criteria provided, single submitter. Criteria: Invitae Variant Classification Sherloc (09022015). Collection method: clinical testing. Allele origin: germline.
Comment: In summary, the available evidence is currently insufficient to determine the role of this variant in disease. Therefore, it has been classified as a Variant of Uncertain Significance. Algorithms developed to predict the effect of missense changes on protein structure and function (SIFT, PolyPhen-2, Align-GVGD) all suggest that this variant is likely to be tolerated, but these predictions have not been confirmed by published functional studies and their clinical significance is uncertain. This variant has not been reported in the literature in individuals with BLM-related disease. This variant is not present in population databases (ExAC no frequency). This sequence change replaces cysteine with phenylalanine at codon 444 of the BLM protein (p.Cys444Phe). The cysteine residue is weakly conserved and there is a large physicochemical difference between cysteine and phenylalanine.